The following is an entry in ClinVar:

ClinVar aggregate classification (germline): Uncertain significance. Review status: criteria provided, multiple submitters, no conflicts (2 of 4 stars). 2 submissions from 2 submitters: Uncertain significance (2). Last evaluated 2025-06-18.

Allele frequency attached by ClinVar (database versions not stated): TOPMed 0.00003; gnomAD 0.00005; gnomAD exomes 0.00007; ExAC 0.00012; 1000 Genomes Project 30x 0.00031.
gnomAD v4.1: 107 of 1,603,568 alleles (0.0067%); highest among the groups gnomAD compares: South Asian, 0.1%; no homozygotes.

Submissions (2):

Ambry Genetics
Classification: Uncertain significance. Last evaluated: 2025-06-18. Review status: criteria provided, single submitter. Criteria: Ambry Variant Classification Scheme 2023. Collection method: clinical testing. Allele origin: germline.

Labcorp Genetics (formerly Invitae), Labcorp
Classification: Uncertain significance. Last evaluated: 2023-02-22. Review status: criteria provided, single submitter. Criteria: Invitae Variant Classification Sherloc (09022015). Collection method: clinical testing. Allele origin: germline.
Comment: In summary, the available evidence is currently insufficient to determine the role of this variant in disease. Therefore, it has been classified as a Variant of Uncertain Significance. An algorithm developed to predict the effect of missense changes on protein structure and function (PolyPhen-2) suggests that this variant is likely to be tolerated. This variant has not been reported in the literature in individuals affected with SLIT2-related conditions. This variant is present in population databases (rs772853653, gnomAD 0.08%), and has an allele count higher than expected for a pathogenic variant. This sequence change replaces valine, which is neutral and non-polar, with methionine, which is neutral and non-polar, at codon 1290 of the SLIT2 protein (p.Val1290Met).

NM_004787.4(SLIT2):c.3868G>A (p.Val1290Met)

Gene: SLIT2 (slit guidance ligand 2; plus strand). Cytogenetic location: 4p15.31.
Variant type: single nucleotide variant.
Coding change: c.3868G>A on transcript NM_004787.4 (MANE Select); coding-DNA position 3868, G replaced by A.
Protein change: p.Val1290Met; replaces valine 1290 with methionine.
Molecular consequence: missense variant.
Genome position (GRCh38, 1-based): chr4:20,616,930, G>A. VCF-style: chr4-20616930-G-A. GRCh37 (hg19) VCF-style: chr4-20618553-G-A.
Other names: c.3856G>A, p.Val1286Met (NM_001289135.3); c.3844G>A, p.Val1282Met (NM_001289136.3); short protein forms V1282M, V1290M, V1286M.
Identifiers: ClinVar variation 2305228 (VCV002305228.6), dbSNP rs772853653, ClinGen allele CA2872310.